The following is an entry in ClinVar:

ClinVar aggregate classification (germline): Uncertain significance. Review status: criteria provided, multiple submitters, no conflicts (2 of 4 stars). 5 submissions from 5 submitters: Uncertain significance (5). Last evaluated 2025-08-08.

Conditions:
Hereditary cancer-predisposing syndrome. Also called: Tumor predisposition; Hereditary Cancer Syndrome; Neoplastic Syndromes, Hereditary; Hereditary neoplastic syndrome. Identifiers: Orphanet 140162, MedGen C0027672, MeSH D009386, MONDO:0015356.
Ataxia-telangiectasia syndrome (AT). Also called: Cerebello-oculocutaneous telangiectasia; Immunodeficiency with ataxia telangiectasia; ATAXIA-TELANGIECTASIA, COMPLEMENTATION GROUP A; ATAXIA-TELANGIECTASIA, FRESNO VARIANT; LOUIS-BAR SYNDROME; Ataxia-telangiectasia, complementation group E. Identifiers: Orphanet 100, MedGen C0004135, MONDO:0008840, OMIM 208900.
Familial cancer of breast. Also called: hereditary breast carcinoma; BREAST CANCER, FAMILIAL; Hereditary breast cancer. Identifiers: Orphanet 227535, MedGen C0346153, MONDO:0016419, OMIM 114480. Disease mechanism: loss of function.

Submissions (5):

GeneDx
Classification: Uncertain significance. Last evaluated: 2025-08-08. Review status: criteria provided, single submitter. Criteria: GeneDx Variant Classification Process June 2021. Collection method: clinical testing. Allele origin: germline. Affected: yes.
Comment: Not observed at significant frequency in large population cohorts (gnomAD); In silico analysis suggests that this missense variant does not alter protein structure/function; Has not been previously published as pathogenic or benign to our knowledge

Color Diagnostics, LLC DBA Color Health
Classification: Uncertain significance for Hereditary cancer-predisposing syndrome. Last evaluated: 2024-07-26. Review status: criteria provided, single submitter. Criteria: ACMG Guidelines, 2015. Collection method: clinical testing. Allele origin: germline.
Comment: This missense variant replaces glutamic acid with glycine at codon 1704 of the ATM protein. Computational prediction suggests that this variant may not impact protein structure and function. To our knowledge, functional studies have not been reported for this variant. This variant has not been reported in individuals affected with ATM-related disorders in the literature. This variant has not been identified in the general population by the Genome Aggregation Database (gnomAD). The available evidence is insufficient to determine the role of this variant in disease conclusively. Therefore, this variant is classified as a Variant of Uncertain Significance.

Baylor Genetics
Classification: Uncertain significance for Familial cancer of breast. Last evaluated: 2024-02-03. Review status: criteria provided, single submitter. Criteria: ACMG Guidelines, 2015. Collection method: clinical testing. Allele origin: unknown.

Labcorp Genetics (formerly Invitae), Labcorp
Classification: Uncertain significance for Ataxia-telangiectasia syndrome. Last evaluated: 2023-08-30. Review status: criteria provided, single submitter. Criteria: Invitae Variant Classification Sherloc (09022015). Collection method: clinical testing. Allele origin: germline.
Comment: This sequence change replaces glutamic acid, which is acidic and polar, with glycine, which is neutral and non-polar, at codon 1704 of the ATM protein (p.Glu1704Gly). This variant is not present in population databases (gnomAD no frequency). This variant has not been reported in the literature in individuals affected with ATM-related conditions. ClinVar contains an entry for this variant (Variation ID: 1015559). An algorithm developed to predict the effect of missense changes on protein structure and function (PolyPhen-2) suggests that this variant is likely to be tolerated. In summary, the available evidence is currently insufficient to determine the role of this variant in disease. Therefore, it has been classified as a Variant of Uncertain Significance.

Ambry Genetics
Classification: Uncertain significance for Hereditary cancer-predisposing syndrome. Last evaluated: 2020-01-14. Review status: criteria provided, single submitter. Criteria: Ambry Variant Classification Scheme 2023. Collection method: clinical testing. Allele origin: germline.
Comment: The p.E1704G variant (also known as c.5111A>G), located in coding exon 33 of the ATM gene, results from an A to G substitution at nucleotide position 5111. The glutamic acid at codon 1704 is replaced by glycine, an amino acid with similar properties. This amino acid position is well conserved in available vertebrate species. In addition, this alteration is predicted to be deleterious by in silico analysis. Since supporting evidence is limited at this time, the clinical significance of this alteration remains unclear.

NM_000051.4(ATM):c.5111A>G (p.Glu1704Gly)

Gene: ATM (ATM serine/threonine kinase; plus strand). Cytogenetic location: 11q22.3.
Variant type: single nucleotide variant.
Coding change: c.5111A>G on transcript NM_000051.4 (MANE Select); coding-DNA position 5111, A replaced by G.
Protein change: p.Glu1704Gly; replaces glutamic acid 1704 with glycine.
Molecular consequence: missense variant.
Genome position (GRCh38, 1-based): chr11:108,299,819, A>G. VCF-style: chr11-108299819-A-G. GRCh37 (hg19) VCF-style: chr11-108170546-A-G.
Other names: c.5111A>G, p.Glu1704Gly (NM_001351834.2); short protein forms E1704G.
Identifiers: ClinVar variation 1015559 (VCV001015559.13), dbSNP rs2083331490, ClinGen allele CA382540796.
Genomic context (GRCh38, chr11:108,299,819, plus strand): 5'-CTACCATAGCTATACAACATAGTAAAGATGCATCTTATACCAAGGCCCTTAAGTTATTTG[A>G]AGATAAAGAACTTCAGTGGACCTTCATAATGCTGACCTACCTGAATAACACACTGGTAGA-3'
Protein context (NP_000042.3, residues 1694-1714): ASYTKALKLF[Glu1704Gly]DKELQWTFIM